The following is an entry in ClinVar:

NM_001370658.1(BTD):c.38_44delinsTCGGC (p.Cys13fs)

Gene: BTD (biotinidase; plus strand). Cytogenetic location: 3p25.1.
Variant type: Indel.
Coding change: c.38_44delinsTCGGC on transcript NM_001370658.1 (MANE Select); coding-DNA positions 38 to 44, GCGGCTG replaced by TCGGC.
Protein change: p.Cys13fs; shifts the reading frame from cysteine 13.
Molecular consequence: frameshift variant.
Genome position (GRCh38, 1-based): chr3:15,635,477-15,635,483, GCGGCTG replaced by TCGGC. VCF-style: chr3-15635477-GCGGCTG-TCGGC. GRCh37 (hg19) VCF-style: chr3-15676984-GCGGCTG-TCGGC.
Other names: c.38_44delinsTCGGC, p.Cys13fs (NM_001281723.4, NM_001281724.3, NM_001281725.3 and 37 more transcripts); short protein forms C13fs.
Identifiers: ClinVar variation 5011239 (VCV005011239.1).

ClinVar aggregate classification (germline): Pathogenic (1 of 4 stars; one submission).

Conditions:
Biotinidase deficiency. Also called: BTD deficiency; Late-onset biotin-responsive multiple carboxylase deficiency; Biotin deficiency. Identifiers: Orphanet 79241, MedGen C0220754, MONDO:0009665, OMIM 253260.

Submission:

Myriad Genetics, Inc.
Classification: Pathogenic for Biotinidase deficiency. Last evaluated: 2023-08-06. Review status: criteria provided, single submitter. Criteria: Myriad Autosomal Dominant, Autosomal Recessive and X-Linked Classification Criteria (2023). Collection method: clinical testing. Allele origin: unknown.
Comment: NM_000060.2(BTD):c.98_104del7ins5(C33Ffs*18) is expected to be pathogenic in the context of biotinidase deficiency. This variant is predicted to lead to an abnormal or absent protein product due to the creation of a premature termination codon in BTD, a gene where loss-of-function variants are known to be pathogenic. Please note: this variant was assessed in the context of healthy population screening.